The following is an entry in ClinVar:

NM_003491.4(NAA10):c.387-189C>T

Gene: NAA10 (N-alpha-acetyltransferase 10, NatA catalytic subunit; minus strand). Cytogenetic location: Xq28.
Variant type: single nucleotide variant.
Coding change: c.387-189C>T on transcript NM_003491.4 (MANE Select); 189 bases into the intron before coding-DNA position 387, C replaced by T.
Molecular consequence: intron variant.
Genome position (GRCh38, 1-based): chrX:153,931,036, G>A on the plus strand (C>T on the coding strand, the complement: NAA10 is on the minus strand). VCF-style: chrX-153931036-G-A. GRCh37 (hg19) VCF-style: chrX-153196489-G-A.
Other names: c.369-189C>T (NM_001256120.2); c.342-189C>T (NM_001256119.2).
Identifiers: ClinVar variation 1706714 (VCV001706714.2), dbSNP rs111503280, ClinGen allele CA337277532.

ClinVar aggregate classification (germline): Likely benign (1 of 4 stars; one submission).

Allele frequency attached by ClinVar (database versions not stated): 1000 Genomes Project 30x 0.00604; 1000 Genomes Project 0.00662.

Submission:

GeneDx
Classification: Likely benign. Last evaluated: 2018-12-31. Review status: criteria provided, single submitter. Criteria: GeneDx Variant Classification Process June 2021. Collection method: clinical testing. Allele origin: germline. Affected: yes.
Comment: See Variant Classification Assertion Criteria.